The following is an entry in ClinVar:

NM_138420.4(AHNAK2):c.3030A>T (p.Val1010=)

Gene: AHNAK2 (AHNAK nucleoprotein 2; minus strand). Cytogenetic location: 14q32.33.
Variant type: single nucleotide variant.
Coding change: c.3030A>T on transcript NM_138420.4 (MANE Select); coding-DNA position 3030, A replaced by T.
Protein change: p.Val1010=; no amino-acid change (valine 1010 retained).
Molecular consequence: synonymous variant.
Genome position (GRCh38, 1-based): chr14:104,952,421, T>A on the plus strand (A>T on the coding strand, the complement: AHNAK2 is on the minus strand). VCF-style: chr14-104952421-T-A. GRCh37 (hg19) VCF-style: chr14-105418758-T-A.
Other names: c.2730A>T, p.Val910= (NM_001350929.2).
Identifiers: ClinVar variation 3234410 (VCV003234410.20), dbSNP rs372805671, ClinGen allele CA488728246.

ClinVar aggregate classification (germline): Likely benign (1 of 4 stars; one submission).

Submission:

CeGaT Center for Human Genetics Tuebingen
Classification: Likely benign. Last evaluated: 2024-04-01. Review status: criteria provided, single submitter. Criteria: CeGaT Center For Human Genetics Tuebingen Variant Classification Criteria Version 2. Collection method: clinical testing. Allele origin: germline. Affected: yes. Observed: 1 variant allele.
Comment: AHNAK2: PM2:Supporting, BP4, BP7